The following is an entry in ClinVar:

ClinVar aggregate classification (germline): Conflicting classifications of pathogenicity. Review status: criteria provided, conflicting classifications (1 of 4 stars). 2 submissions from 2 submitters: Likely pathogenic (1); Uncertain significance (1). Last evaluated 2025-10-03.

Conditions:
Ataxia-telangiectasia syndrome (AT). Also called: Ataxia telangiectasia (A-T); LOUIS-BAR SYNDROME; Cerebello-oculocutaneous telangiectasia; Immunodeficiency with ataxia telangiectasia; Ataxia-telangiectasia, complementation group D; AT, COMPLEMENTATION GROUP C. Identifiers: Orphanet 100, MedGen C0004135, MONDO:0008840, OMIM 208900.
Hereditary cancer-predisposing syndrome. Also called: Hereditary neoplastic syndrome; Neoplastic Syndromes, Hereditary; Tumor predisposition; Hereditary Cancer Syndrome. Identifiers: Orphanet 140162, MedGen C0027672, MeSH D009386, MONDO:0015356.

Submissions (2):

Ambry Genetics
Classification: Likely pathogenic for Hereditary cancer-predisposing syndrome. Last evaluated: 2025-10-03. Review status: criteria provided, single submitter. Criteria: Ambry Variant Classification Scheme 2023. Collection method: clinical testing. Allele origin: germline.
Comment: The c.8269-14A>G intronic variant results from an A to G substitution 14 nucleotides upstream from coding exon 56 in the ATM gene. This nucleotide position is not well conserved in available vertebrate species. In silico splice site analysis predicts that this alteration will weaken the native splice acceptor site. RNA studies have demonstrated that this alteration results in abnormal splicing in the set of samples tested (Ambry internal data). This variant is considered to be rare based on population cohorts in the Genome Aggregation Database (gnomAD). Based on the majority of available evidence to date, this variant is likely to be pathogenic.

Labcorp Genetics (formerly Invitae), Labcorp
Classification: Uncertain significance for Ataxia-telangiectasia syndrome. Last evaluated: 2024-08-24. Review status: criteria provided, single submitter. Criteria: Invitae Variant Classification Sherloc (09022015). Collection method: clinical testing. Allele origin: germline.
Comment: This sequence change falls in intron 56 of the ATM gene. It does not directly change the encoded amino acid sequence of the ATM protein. This variant is not present in population databases (gnomAD no frequency). This variant has not been reported in the literature in individuals affected with ATM-related conditions. ClinVar contains an entry for this variant (Variation ID: 1762686). Algorithms developed to predict the effect of sequence changes on RNA splicing suggest that this variant may disrupt the consensus splice site. In summary, the available evidence is currently insufficient to determine the role of this variant in disease. Therefore, it has been classified as a Variant of Uncertain Significance.

NM_000051.4(ATM):c.8269-14A>G

Genes: ATM (ATM serine/threonine kinase; plus strand), C11orf65 (chromosome 11 open reading frame 65; minus strand). Cytogenetic location: 11q22.3.
Variant type: single nucleotide variant.
Coding change: c.8269-14A>G on transcript NM_000051.4 (MANE Select); 14 bases into the intron before coding-DNA position 8269, A replaced by G.
Molecular consequence: intron variant.
Genome position (GRCh38, 1-based): chr11:108,343,208, A>G. VCF-style: chr11-108343208-A-G. GRCh37 (hg19) VCF-style: chr11-108213935-A-G.
Other names: c.695-7916T>C (NM_001351110.2); c.8269-14A>G (NM_001351834.2); c.641-34137T>C (NM_001330368.2).
Identifiers: ClinVar variation 1762686 (VCV001762686.4), dbSNP rs114320959, ClinGen allele CA2580083152.
Genomic context (GRCh38, chr11:108,343,208, plus strand): 5'-CTGATAGCTGAATGATCATCAAATGCTCTTTAATGGCCTTTTAAAATTAAAAGGTATTTA[A>G]TCTGTAACTCCAGGTGGTTCCCCTCTCTCAGCGAAGTGGTGTTCTTGAATGGTGCACAGG-3'